The following is an entry in ClinVar:

NM_002427.4(MMP13):c.790T>A (p.Ser264Thr)

Gene: MMP13 (matrix metallopeptidase 13; minus strand). Cytogenetic location: 11q22.2.
Variant type: single nucleotide variant.
Coding change: c.790T>A on transcript NM_002427.4 (MANE Select); coding-DNA position 790, T replaced by A.
Protein change: p.Ser264Thr; replaces serine 264 with threonine.
Molecular consequence: missense variant.
Genome position (GRCh38, 1-based): chr11:102,952,021, A>T on the plus strand (T>A on the coding strand, the complement: MMP13 is on the minus strand). VCF-style: chr11-102952021-A-T. GRCh37 (hg19) VCF-style: chr11-102822750-A-T.
Other names: short protein forms S264T.
Identifiers: ClinVar variation 3661614 (VCV003661614.2).
Genomic context (GRCh38, chr11:102,952,021, plus strand): 5'-GTTTCTTCTGCTTTTATAACTGATCATATTCTATTTCTATAACCGAGTTACCATAGAGAG[A>T]CTGGATCCCTTGTACATCGTCATCAGGAAGCATAAAGTGGCTTTTGCCGGTGTAGGTGTA-3'
Protein context (NP_002418.1, residues 254-274): LPDDDVQGIQ[Ser264Thr]LYGPGDEDPN

ClinVar aggregate classification (germline): Uncertain significance (1 of 4 stars; one submission).

Submission:

Labcorp Genetics (formerly Invitae), Labcorp
Classification: Uncertain significance. Last evaluated: 2024-09-04. Review status: criteria provided, single submitter. Criteria: Invitae Variant Classification Sherloc (09022015). Collection method: clinical testing. Allele origin: germline.
Comment: This sequence change replaces serine, which is neutral and polar, with threonine, which is neutral and polar, at codon 264 of the MMP13 protein (p.Ser264Thr). This variant is not present in population databases (gnomAD no frequency). This variant has not been reported in the literature in individuals affected with MMP13-related conditions. Invitae Evidence Modeling of protein sequence and biophysical properties (such as structural, functional, and spatial information, amino acid conservation, physicochemical variation, residue mobility, and thermodynamic stability) indicates that this missense variant is not expected to disrupt MMP13 protein function with a negative predictive value of 80%. In summary, the available evidence is currently insufficient to determine the role of this variant in disease. Therefore, it has been classified as a Variant of Uncertain Significance.